The following is an entry in ClinVar:

NM_182641.4(BPTF):c.3928A>T (p.Asn1310Tyr)

Gene: BPTF (bromodomain PHD finger transcription factor; plus strand). Cytogenetic location: 17q24.2.
Variant type: single nucleotide variant.
Coding change: c.3928A>T on transcript NM_182641.4 (MANE Select); coding-DNA position 3928, A replaced by T.
Protein change: p.Asn1310Tyr; replaces asparagine 1310 with tyrosine.
Molecular consequence: missense variant.
Genome position (GRCh38, 1-based): chr17:67,911,812, A>T. VCF-style: chr17-67911812-A-T. GRCh37 (hg19) VCF-style: chr17-65907928-A-T.
Other names: c.4117A>T, p.Asn1373Tyr (NM_001439139.1, NM_001439141.1, NM_001439143.1 and 1 more transcripts); c.4306A>T, p.Asn1436Tyr (NM_001439140.1, NM_001439142.1, NM_004459.7); short protein forms N1310Y, N1373Y, N1436Y.
Identifiers: ClinVar variation 4689875 (VCV004689875.1).

ClinVar aggregate classification (germline): Uncertain significance (1 of 4 stars; one submission).

Submission:

GeneDx
Classification: Uncertain significance. Last evaluated: 2025-07-31. Review status: criteria provided, single submitter. Criteria: GeneDx Variant Classification Process June 2021. Collection method: clinical testing. Allele origin: germline. Affected: yes.
Comment: Not observed at significant frequency in large population cohorts (gnomAD); In silico analysis supports that this missense variant has a deleterious effect on protein structure/function; Has not been previously published as pathogenic or benign to our knowledge